The following is an entry in ClinVar:

NM_007294.4(BRCA1):c.1088A>T (p.Asn363Ile)

Gene: BRCA1 (BRCA1 DNA repair associated; minus strand). Cytogenetic location: 17q21.31.
Variant type: single nucleotide variant.
Coding change: c.1088A>T on transcript NM_007294.4 (MANE Select); coding-DNA position 1088, A replaced by T.
Protein change: p.Asn363Ile; replaces asparagine 363 with isoleucine.
Molecular consequence: missense variant. On other transcripts: intron variant (137).
Genome position (GRCh38, 1-based): chr17:43,094,443, T>A on the plus strand (A>T on the coding strand, the complement: BRCA1 is on the minus strand). VCF-style: chr17-43094443-T-A. GRCh37 (hg19) VCF-style: chr17-41246460-T-A.
Other names: c.965A>T, p.Asn322Ile (NM_001407674.1, NM_001407676.1, NM_001407677.1 and 19 more transcripts); c.962A>T, p.Asn321Ile (NM_001407673.1, NM_001407671.1, NM_001407672.1 and 11 more transcripts); c.1088A>T, p.Asn363Ile (NM_001407684.1, NM_001407854.1, NM_001407858.1 and 30 more transcripts); c.947A>T, p.Asn316Ile (NM_001407692.1, NM_001407694.1, NM_001407695.1 and 29 more transcripts); c.944A>T, p.Asn315Ile (NM_001407740.1, NM_001407741.1, NM_001407742.1 and 20 more transcripts); c.875A>T, p.Asn292Ile (NM_001407853.1, NM_001407894.1, NM_001407895.1 and 9 more transcripts); c.1085A>T, p.Asn362Ile (NM_001407860.1, NM_001407861.1, NM_001407587.1 and 22 more transcripts); c.887A>T, p.Asn296Ile (NM_001407862.1); and 40 more; short protein forms N195I, N292I, N296I, N316I, N322I, N337I, N362I, N275I.
Identifiers: ClinVar variation 4625164 (VCV004625164.1).

ClinVar aggregate classification (germline): Uncertain significance (1 of 4 stars; one submission).

Conditions:
Hereditary cancer-predisposing syndrome. Also called: Neoplastic Syndromes, Hereditary; Tumor predisposition; Hereditary Cancer Syndrome; Hereditary neoplastic syndrome. Identifiers: Orphanet 140162, MedGen C0027672, MeSH D009386, MONDO:0015356.

Submission:

Ambry Genetics
Classification: Uncertain significance for Hereditary cancer-predisposing syndrome. Last evaluated: 2025-10-08. Review status: criteria provided, single submitter. Criteria: Ambry Variant Classification Scheme 2023. Collection method: clinical testing. Allele origin: germline.
Comment: The p.N363I variant (also known as c.1088A>T), located in coding exon 9 of the BRCA1 gene, results from an A to T substitution at nucleotide position 1088. The asparagine at codon 363 is replaced by isoleucine, an amino acid with dissimilar properties. This amino acid position is not well conserved in available vertebrate species. In addition, the in silico prediction for this alteration is inconclusive. Based on the available evidence, the clinical significance of this variant remains unclear.